The following is an entry in ClinVar:

NM_012208.4(HARS2):c.94C>G (p.Arg32Gly)

Genes: HARS2 (histidyl-tRNA synthetase 2, mitochondrial; plus strand), LOC119407423 (HARS1 and HARS2 bidirectional promoter region; plus strand). Cytogenetic location: 5q31.3.
Variant type: single nucleotide variant.
Coding change: c.94C>G on transcript NM_012208.4 (MANE Select); coding-DNA position 94, C replaced by G.
Protein change: p.Arg32Gly; replaces arginine 32 with glycine.
Molecular consequence: missense variant. On other transcripts: 5 prime UTR variant (1), intron variant (1).
Genome position (GRCh38, 1-based): chr5:140,691,742, C>G. VCF-style: chr5-140691742-C-G. GRCh37 (hg19) VCF-style: chr5-140071327-C-G.
Other names: c.94C>G, p.Arg32Gly (NM_001278731.2, NM_001363535.2); c.-217C>G (NM_001278732.2); c.-325-53C>G (NM_001363536.2); short protein forms R32G.
Identifiers: ClinVar variation 2136282 (VCV002136282.1), dbSNP rs1462242729, ClinGen allele CA361192442.
Genomic context (GRCh38, chr5:140,691,742, plus strand): 5'-TGGGCTTCGCTGCTCAGCCAGCTCCTGCGACCGCCCTGCGCTTCGTGCACCGGGGCGGTC[C>G]GTTGCCAAAGCCAGGTGAGCGAGACAGAATTATCTCTGGTCTGTCCCAGCAGGGTCTCCA-3'
Protein context (NP_036340.1, residues 22-42): PPCASCTGAV[Arg32Gly]CQSQVAEAVL

ClinVar aggregate classification (germline): Uncertain significance (1 of 4 stars; one submission).

Allele frequency attached by ClinVar (database versions not stated): gnomAD 0.00001.

Submission:

GeneDx
Classification: Uncertain significance. Last evaluated: 2022-07-23. Review status: criteria provided, single submitter. Criteria: GeneDx Variant Classification Process June 2021. Collection method: clinical testing. Allele origin: germline. Affected: yes.
Comment: Not observed at significant frequency in large population cohorts (gnomAD); In silico analysis supports that this missense variant has a deleterious effect on protein structure/function; Has not been previously published as pathogenic or benign to our knowledge